The following is an entry in ClinVar:

ClinVar aggregate classification (germline): Uncertain significance. Review status: criteria provided, multiple submitters, no conflicts (2 of 4 stars). 2 submissions from 2 submitters: Uncertain significance (2). Last evaluated 2025-08-04.

Conditions:
Sotos syndrome (SOTOS). Also called: Distinctive facial appearance, overgrowth in childhood, and learning disabilities or delayed development; SOTOS SYNDROME 1; CHROMOSOME 5q35 DELETION SYNDROME; CEREBRAL GIGANTISM; Sotos' syndrome. Identifiers: Orphanet 821, MedGen C0175695, MONDO:0019349, OMIM 117550.

gnomAD v4.1: 3 of 1,614,230 alleles (0.00019%); highest among the groups gnomAD compares: Non-Finnish European, 0.00025%; no homozygotes.

Submissions (2):

Labcorp Genetics (formerly Invitae), Labcorp
Classification: Uncertain significance. Last evaluated: 2025-08-04. Review status: criteria provided, single submitter. Criteria: Invitae Variant Classification Sherloc (09022015). Collection method: clinical testing. Allele origin: germline.
Comment: This sequence change replaces glycine, which is neutral and non-polar, with arginine, which is basic and polar, at codon 1928 of the NSD1 protein (p.Gly1928Arg). This variant is present in population databases (no rsID available, gnomAD 0.0009%). This variant has not been reported in the literature in individuals affected with NSD1-related conditions. ClinVar contains an entry for this variant (Variation ID: 3592055). Invitae Evidence Modeling of protein sequence and biophysical properties (such as structural, functional, and spatial information, amino acid conservation, physicochemical variation, residue mobility, and thermodynamic stability) indicates that this missense variant is expected to disrupt NSD1 protein function with a positive predictive value of 95%. In summary, the available evidence is currently insufficient to determine the role of this variant in disease. Therefore, it has been classified as a Variant of Uncertain Significance.

Fulgent Genetics
Classification: Uncertain significance for Sotos syndrome. Last evaluated: 2024-03-07. Review status: criteria provided, single submitter. Criteria: ACMG Guidelines, 2015. Collection method: clinical testing. Allele origin: germline.

NM_022455.5(NSD1):c.5782G>A (p.Gly1928Arg)

Gene: NSD1 (nuclear receptor binding SET domain protein 1; plus strand). Cytogenetic location: 5q35.3.
Variant type: single nucleotide variant.
Coding change: c.5782G>A on transcript NM_022455.5 (MANE Select); coding-DNA position 5782, G replaced by A.
Protein change: p.Gly1928Arg; replaces glycine 1928 with arginine.
Molecular consequence: missense variant.
Genome position (GRCh38, 1-based): chr5:177,280,724, G>A. VCF-style: chr5-177280724-G-A. GRCh37 (hg19) VCF-style: chr5-176707725-G-A.
Other names: c.5020G>A, p.Gly1674Arg (NM_001409307.1, NM_001409306.1); c.4909G>A, p.Gly1637Arg (NM_001409308.1, NM_001409309.1, NM_172349.5 and 1 more transcripts); c.5782G>A, p.Gly1928Arg (NM_001409301.1, NM_001409302.1, NM_001409303.1); c.5362G>A, p.Gly1788Arg (NM_001409304.1); c.5029G>A, p.Gly1677Arg (NM_001409305.1); short protein forms G1637R, G1677R, G1788R, G1674R, G1928R.
Identifiers: ClinVar variation 3592055 (VCV003592055.2).